The following is an entry in ClinVar:

NM_000294.3(PHKG2):c.850C>T (p.Gln284Ter)

Gene: PHKG2 (phosphorylase kinase catalytic subunit gamma 2; plus strand). Cytogenetic location: 16p11.2.
Variant type: single nucleotide variant.
Coding change: c.850C>T on transcript NM_000294.3 (MANE Select); coding-DNA position 850, C replaced by T.
Protein change: p.Gln284Ter; replaces glutamine 284 with a stop codon.
Molecular consequence: nonsense.
Genome position (GRCh38, 1-based): chr16:30,756,638, C>T. VCF-style: chr16-30756638-C-T. GRCh37 (hg19) VCF-style: chr16-30767959-C-T.
Other names: c.850C>T, p.Gln284Ter (NM_001172432.2); short protein forms Q284*.
Identifiers: ClinVar variation 3000582 (VCV003000582.4), dbSNP rs1395363276, ClinGen allele CA395659298.

ClinVar aggregate classification (germline): Pathogenic (1 of 4 stars; one submission).

Conditions:
Glycogen storage disease IXc (GSD9C). Also called: GSD IXc. Identifiers: Orphanet 264580, MedGen C2751643, MONDO:0013091, OMIM 613027.

Submission:

Labcorp Genetics (formerly Invitae), Labcorp
Classification: Pathogenic for Glycogen storage disease IXc. Last evaluated: 2023-11-25. Review status: criteria provided, single submitter. Criteria: Invitae Variant Classification Sherloc (09022015). Collection method: clinical testing. Allele origin: germline.
Comment: This sequence change creates a premature translational stop signal (p.Gln284*) in the PHKG2 gene. It is expected to result in an absent or disrupted protein product. Loss-of-function variants in PHKG2 are known to be pathogenic (PMID: 8896567, 17689125, 21646031). This variant is not present in population databases (gnomAD no frequency). This variant has not been reported in the literature in individuals affected with PHKG2-related conditions. For these reasons, this variant has been classified as Pathogenic.

Literature cited by the submitters: PubMed 8896567; PubMed 17689125; PubMed 21646031.